The following is an entry in ClinVar:

NM_003106.4(SOX2):c.398C>G (p.Ala133Gly)

Genes: SOX2 (SRY-box transcription factor 2; plus strand), SOX2-OT (SOX2 overlapping transcript; plus strand), LOC108281177 (SOX2 5' regulatory region; plus strand). Cytogenetic location: 3q26.33.
Variant type: single nucleotide variant.
Coding change: c.398C>G on transcript NM_003106.4 (MANE Select); coding-DNA position 398, C replaced by G.
Protein change: p.Ala133Gly; replaces alanine 133 with glycine.
Molecular consequence: missense variant.
Genome position (GRCh38, 1-based): chr3:181,712,758, C>G. VCF-style: chr3-181712758-C-G. GRCh37 (hg19) VCF-style: chr3-181430546-C-G.
Other names: short protein forms A133G.
Identifiers: ClinVar variation 1989081 (VCV001989081.4), dbSNP rs1392475866, ClinGen allele CA355473793.
Genomic context (GRCh38, chr3:181,712,758, plus strand): 5'-GGCGGAAAACCAAGACGCTCATGAAGAAGGATAAGTACACGCTGCCCGGCGGGCTGCTGG[C>G]CCCCGGCGGCAATAGCATGGCGAGCGGGGTCGGGGTGGGCGCCGGCCTGGGCGCGGGCGT-3'
Protein context (NP_003097.1, residues 123-143): DKYTLPGGLL[Ala133Gly]PGGNSMASGV

ClinVar aggregate classification (germline): Uncertain significance (1 of 4 stars; one submission).

Conditions:
Anophthalmia/microphthalmia-esophageal atresia syndrome (MCOPS3). Also called: AEG SYNDROME; SOX2 Disorder; MICROPHTHALMIA AND ESOPHAGEAL ATRESIA SYNDROME. Identifiers: Orphanet 77298, MedGen C1859773, MONDO:0008799, OMIM 206900.

Allele frequency attached by ClinVar (database versions not stated): gnomAD exomes below 0.00001; TOPMed below 0.00001.

Submission:

Labcorp Genetics (formerly Invitae), Labcorp
Classification: Uncertain significance for Anophthalmia/microphthalmia-esophageal atresia syndrome. Last evaluated: 2022-07-15. Review status: criteria provided, single submitter. Criteria: Invitae Variant Classification Sherloc (09022015). Collection method: clinical testing. Allele origin: germline.
Comment: In summary, the available evidence is currently insufficient to determine the role of this variant in disease. Therefore, it has been classified as a Variant of Uncertain Significance. Algorithms developed to predict the effect of missense changes on protein structure and function are either unavailable or do not agree on the potential impact of this missense change (SIFT: "Deleterious"; PolyPhen-2: "Benign"; Align-GVGD: "Class C0"). This variant has not been reported in the literature in individuals affected with SOX2-related conditions. This variant is present in population databases (no rsID available, gnomAD 0.006%). This sequence change replaces alanine, which is neutral and non-polar, with glycine, which is neutral and non-polar, at codon 133 of the SOX2 protein (p.Ala133Gly).